The following is an entry in ClinVar:

ClinVar aggregate classification (germline): Conflicting classifications of pathogenicity. Review status: criteria provided, conflicting classifications (1 of 4 stars). 2 submissions from 2 submitters: Likely pathogenic (1); Uncertain significance (1). Last evaluated 2026-04-22.

Conditions:
Hereditary cancer-predisposing syndrome. Also called: Neoplastic Syndromes, Hereditary; Tumor predisposition; Hereditary neoplastic syndrome; Hereditary Cancer Syndrome. Identifiers: Orphanet 140162, MedGen C0027672, MeSH D009386, MONDO:0015356.
Cardiovascular phenotype. Identifiers: MedGen CN230736.

Submissions (2):

GeneDx
Classification: Likely pathogenic. Last evaluated: 2026-04-22. Review status: criteria provided, single submitter. Criteria: GeneDx Variant Classification Process June 2021. Collection method: clinical testing. Allele origin: germline.
Comment: Not observed at significant frequency in large population cohorts (gnomAD); In silico analysis supports that this missense variant has a deleterious effect on protein structure/function; This variant is associated with the following publications: (PMID: 25486365, 22807134, 40225167, 23656349)

Ambry Genetics
Classification: Uncertain significance for Cardiovascular phenotype; Hereditary cancer-predisposing syndrome. Last evaluated: 2026-03-27. Review status: criteria provided, single submitter. Criteria: Ambry Variant Classification Scheme 2023. Collection method: clinical testing. Allele origin: germline.
Comment: The p.F1275S variant (also known as c.3824T>C), located in coding exon 28 of the NF1 gene, results from a T to C substitution at nucleotide position 3824. The phenylalanine at codon 1275 is replaced by serine, an amino acid with highly dissimilar properties. This amino acid position is highly conserved in available vertebrate species. In addition, this alteration is predicted to be deleterious by in silico analysis. Based on the available evidence, the clinical significance of this variant remains unclear.

NM_001042492.3(NF1):c.3824T>C (p.Phe1275Ser)

Gene: NF1 (neurofibromin 1; plus strand). Cytogenetic location: 17q11.2.
Variant type: single nucleotide variant.
Coding change: c.3824T>C on transcript NM_001042492.3 (MANE Select); coding-DNA position 3824, T replaced by C.
Protein change: p.Phe1275Ser; replaces phenylalanine 1275 with serine.
Molecular consequence: missense variant.
Genome position (GRCh38, 1-based): chr17:31,235,726, T>C. VCF-style: chr17-31235726-T-C. GRCh37 (hg19) VCF-style: chr17-29562744-T-C.
Other names: c.3824T>C, p.Phe1275Ser (NM_000267.4); short protein forms F1275S.
Identifiers: ClinVar variation 4860848 (VCV004860848.2).